The following is an entry in ClinVar:

NM_001378454.1(ALMS1):c.2230T>G (p.Ser744Ala)

Gene: ALMS1 (ALMS1 centrosome and basal body associated protein; plus strand). Cytogenetic location: 2p13.1.
Variant type: single nucleotide variant.
Coding change: c.2230T>G on transcript NM_001378454.1 (MANE Select); coding-DNA position 2230, T replaced by G.
Protein change: p.Ser744Ala; replaces serine 744 with alanine.
Molecular consequence: missense variant.
Genome position (GRCh38, 1-based): chr2:73,448,757, T>G. VCF-style: chr2-73448757-T-G. GRCh37 (hg19) VCF-style: chr2-73675884-T-G.
Other names: c.2233T>G, p.Ser745Ala (NM_015120.4); short protein forms S744A, S745A.
Identifiers: ClinVar variation 1491974 (VCV001491974.4), dbSNP rs2103774349, ClinGen allele CA347267322.

ClinVar aggregate classification (germline): Uncertain significance (1 of 4 stars; one submission).

Conditions:
Alstrom syndrome (ALMS). Identifiers: Orphanet 64, MedGen C0268425, MONDO:0008763, OMIM 203800.

Submission:

Labcorp Genetics (formerly Invitae), Labcorp
Classification: Uncertain significance for Alstrom syndrome. Last evaluated: 2021-08-08. Review status: criteria provided, single submitter. Criteria: Invitae Variant Classification Sherloc (09022015). Collection method: clinical testing. Allele origin: germline.
Comment: This variant has not been reported in the literature in individuals affected with ALMS1-related conditions. Experimental studies and prediction algorithms are not available or were not evaluated, and the functional significance of this variant is currently unknown. In summary, the available evidence is currently insufficient to determine the role of this variant in disease. Therefore, it has been classified as a Variant of Uncertain Significance. This variant is not present in population databases (ExAC no frequency). This sequence change replaces serine with alanine at codon 745 of the ALMS1 protein (p.Ser745Ala). The serine residue is moderately conserved and there is a moderate physicochemical difference between serine and alanine.